The following is an entry in ClinVar:

NM_002161.6(IARS1):c.2772G>C (p.Leu924=)

Gene: IARS1 (isoleucyl-tRNA synthetase 1; minus strand). Cytogenetic location: 9q22.31.
Variant type: single nucleotide variant.
Coding change: c.2772G>C on transcript NM_002161.6 (MANE Select); coding-DNA position 2772, G replaced by C.
Protein change: p.Leu924=; no amino-acid change (leucine 924 retained).
Molecular consequence: synonymous variant. On other transcripts: non-coding transcript variant (1).
Genome position (GRCh38, 1-based): chr9:92,247,396, C>G on the plus strand (G>C on the coding strand, the complement: IARS1 is on the minus strand). VCF-style: chr9-92247396-C-G. GRCh37 (hg19) VCF-style: chr9-95009678-C-G.
Other names: c.2697G>C, p.Leu899= (NM_001374299.1, NM_001374300.1, NM_001378584.1); c.2688G>C, p.Leu896= (NM_001374301.1); c.2835G>C, p.Leu945= (NM_001378569.1); c.2793G>C, p.Leu931= (NM_001378571.1); c.2772G>C, p.Leu924= (NM_001378572.1, NM_001378573.1, NM_001378574.1 and 9 more transcripts); c.2676G>C, p.Leu892= (NM_001378582.1); c.2649G>C, p.Leu883= (NM_001378583.1).
Identifiers: ClinVar variation 5041619 (VCV005041619.1).

ClinVar aggregate classification (germline): Likely benign (1 of 4 stars; one submission).

Submission:

CeGaT Center for Human Genetics Tuebingen
Classification: Likely benign. Last evaluated: 2026-09-01. Review status: criteria provided, single submitter. Criteria: CeGaT Center For Human Genetics Tuebingen Variant Classification Criteria Version 2. Collection method: clinical testing. Allele origin: germline. Affected: yes. Observed: 1 variant allele.
Comment: IARS1: PM2:Supporting, BP4, BP7